The following is an entry in ClinVar:

NM_015015.3(KDM4B):c.2091A>G (p.Leu697=)

Gene: KDM4B (lysine demethylase 4B; plus strand). Cytogenetic location: 19p13.3.
Variant type: single nucleotide variant.
Coding change: c.2091A>G on transcript NM_015015.3 (MANE Select); coding-DNA position 2091, A replaced by G.
Protein change: p.Leu697=; no amino-acid change (leucine 697 retained).
Molecular consequence: synonymous variant.
Genome position (GRCh38, 1-based): chr19:5,135,344, A>G. VCF-style: chr19-5135344-A-G. GRCh37 (hg19) VCF-style: chr19-5135355-A-G.
Other names: c.2193A>G, p.Leu731= (NM_001411148.1).
Identifiers: ClinVar variation 4874303 (VCV004874303.2).

ClinVar aggregate classification (germline): Likely benign (1 of 4 stars; one submission).

gnomAD v4.1: 5 of 1,609,956 alleles (0.00031%); no homozygotes.

Submission:

CeGaT Center for Human Genetics Tuebingen
Classification: Likely benign. Last evaluated: 2026-04-01. Review status: criteria provided, single submitter. Criteria: CeGaT Center For Human Genetics Tuebingen Variant Classification Criteria Version 2. Collection method: clinical testing. Allele origin: germline. Affected: yes. Observed: 1 variant allele.
Comment: KDM4B: BP4, BP7